The following is an entry in ClinVar:

ClinVar aggregate classification (germline): Uncertain significance. Review status: criteria provided, multiple submitters, no conflicts (2 of 4 stars). 5 submissions from 5 submitters: Uncertain significance (5). Last evaluated 2026-06-01.

Conditions:
Nephronophthisis 14 (NPHP14). Identifiers: Orphanet 2318, MedGen C3539071, MONDO:0013916, OMIM 614844.
ZNF423-related disorder. Also called: ZNF423-related condition.

Allele frequency attached by ClinVar (database versions not stated): ExAC 0.00022; gnomAD 0.00022 and 0.00024; gnomAD exomes 0.00022 and 0.00067; TOPMed 0.00026; ESP Exome Variant Server 0.00031.
gnomAD v4.1: 998 of 1,587,388 alleles (0.063%); highest among the groups gnomAD compares: Non-Finnish European, 0.081%; no homozygotes.

Submissions (5):

PreventionGenetics, part of Exact Sciences
Classification: Uncertain significance for ZNF423-related condition. Last evaluated: 2026-06-01. Review status: criteria provided, single submitter. Criteria: ACMG Guidelines, 2015. Collection method: clinical testing. Allele origin: germline.
Comment: The ZNF423 c.3230A>G variant is predicted to result in the amino acid substitution p.Gln1077Arg. To our knowledge, this variant has not been reported in the literature. This variant is reported in 0.044% of alleles in individuals of European (Non-Finnish) descent in gnomAD. Although we suspect that this variant may be benign, at this time, the clinical significance of this variant is uncertain due to the absence of conclusive functional and genetic evidence.

Blueprint Genetics
Classification: Uncertain significance. Last evaluated: 2024-11-01. Review status: criteria provided, single submitter. Criteria: ACMG Guidelines, 2015. Collection method: clinical testing. Allele origin: germline.

GeneDx
Classification: Uncertain significance. Last evaluated: 2023-06-13. Review status: criteria provided, single submitter. Criteria: GeneDx Variant Classification Process June 2021. Collection method: clinical testing. Allele origin: germline. Affected: yes.
Comment: In silico analysis supports that this missense variant does not alter protein structure/function; Has not been previously published as pathogenic or benign to our knowledge

Labcorp Genetics (formerly Invitae), Labcorp
Classification: Uncertain significance for Nephronophthisis 14. Last evaluated: 2022-10-17. Review status: criteria provided, single submitter. Criteria: Invitae Variant Classification Sherloc (09022015). Collection method: clinical testing. Allele origin: germline.
Comment: This sequence change replaces glutamine, which is neutral and polar, with arginine, which is basic and polar, at codon 1077 of the ZNF423 protein (p.Gln1077Arg). This variant is present in population databases (rs200494811, gnomAD 0.05%). This variant has not been reported in the literature in individuals affected with ZNF423-related conditions. ClinVar contains an entry for this variant (Variation ID: 575833). Advanced modeling of protein sequence and biophysical properties (such as structural, functional, and spatial information, amino acid conservation, physicochemical variation, residue mobility, and thermodynamic stability) performed at Invitae indicates that this missense variant is not expected to disrupt ZNF423 protein function. In summary, the available evidence is currently insufficient to determine the role of this variant in disease. Therefore, it has been classified as a Variant of Uncertain Significance.

Department of Pathology and Laboratory Medicine, Sinai Health System
Classification: Uncertain significance for Nephronophthisis 14. Last evaluated: 2020-05-26. Review status: criteria provided, single submitter. Criteria: ACMG Guidelines, 2015. Collection method: research. Allele origin: germline.

NM_001379286.1(ZNF423):c.3254A>G (p.Gln1085Arg)

Gene: ZNF423 (zinc finger protein 423; minus strand). Cytogenetic location: 16q12.1.
Variant type: single nucleotide variant.
Coding change: c.3254A>G on transcript NM_001379286.1 (MANE Select); coding-DNA position 3254, A replaced by G.
Protein change: p.Gln1085Arg; replaces glutamine 1085 with arginine.
Molecular consequence: missense variant.
Genome position (GRCh38, 1-based): chr16:49,635,922, T>C on the plus strand (A>G on the coding strand, the complement: ZNF423 is on the minus strand). VCF-style: chr16-49635922-T-C. GRCh37 (hg19) VCF-style: chr16-49669833-T-C.
Other names: c.3050A>G, p.Gln1017Arg (NM_001271620.2); c.2879A>G, p.Gln960Arg (NM_001330533.2); c.3230A>G, p.Gln1077Arg (NM_015069.5); c.3230A>G (NM_015069.4); short protein forms Q1077R, Q1017R, Q960R, Q1085R.
Identifiers: ClinVar variation 575833 (VCV000575833.9), dbSNP rs200494811, ClinGen allele CA8046355.